The following is an entry in ClinVar:

NM_001378454.1(ALMS1):c.1601C>G (p.Thr534Ser)

Gene: ALMS1 (ALMS1 centrosome and basal body associated protein; plus strand). Cytogenetic location: 2p13.1.
Variant type: single nucleotide variant.
Coding change: c.1601C>G on transcript NM_001378454.1 (MANE Select); coding-DNA position 1601, C replaced by G.
Protein change: p.Thr534Ser; replaces threonine 534 with serine.
Molecular consequence: missense variant.
Genome position (GRCh38, 1-based): chr2:73,448,128, C>G. VCF-style: chr2-73448128-C-G. GRCh37 (hg19) VCF-style: chr2-73675255-C-G.
Other names: c.1604C>G, p.Thr535Ser (NM_015120.4); short protein forms T535S, T534S.
Identifiers: ClinVar variation 4981206 (VCV004981206.1).

ClinVar aggregate classification (germline): Uncertain significance (1 of 4 stars; one submission).

Conditions:
ALMS1-related disorder. Also called: ALMS1-related condition.

gnomAD v4.1: 1 of 1,613,980 alleles (0.000062%); highest among the groups gnomAD compares: Non-Finnish European, 0.000085%; no homozygotes.

Submission:

PreventionGenetics, part of Exact Sciences
Classification: Uncertain significance for ALMS1-related condition. Last evaluated: 2025-07-25. Review status: criteria provided, single submitter. Criteria: ACMG Guidelines, 2015. Collection method: clinical testing. Allele origin: germline.
Comment: The ALMS1 c.1604C>G variant is predicted to result in the amino acid substitution p.Thr535Ser. To our knowledge, this variant has not been reported in the literature. This variant is reported in 0.0062% of alleles in individuals of European (Non-Finnish) descent in gnomAD. At this time, the clinical significance of this variant is uncertain due to the absence of conclusive functional and genetic evidence.